The following is an entry in ClinVar:

ClinVar aggregate classification (germline): Uncertain significance. Review status: criteria provided, multiple submitters, no conflicts (2 of 4 stars). 4 submissions from 4 submitters: Uncertain significance (4). Last evaluated 2025-08-23.

Conditions:
Cardiovascular phenotype. Identifiers: MedGen CN230736.
Long QT syndrome (LQTS). Identifiers: MedGen C0023976, MeSH D008133, MONDO:0002442. Disease mechanism: loss of function. Inheritance: Various modes of inheritance.
Long QT syndrome 12 (LQT12). Identifiers: Orphanet 101016, Orphanet 768, MedGen C2751830, MONDO:0013062, OMIM 612955.

Allele frequency attached by ClinVar (database versions not stated): gnomAD exomes below 0.00001 and 0.00002; gnomAD 0.00001; TOPMed 0.00001.
gnomAD v4.1: 12 of 1,614,086 alleles (0.00074%); highest among the groups gnomAD compares: Admixed American, 0.0017%; no homozygotes.

Submissions (4):

Ambry Genetics
Classification: Uncertain significance for Cardiovascular phenotype. Last evaluated: 2025-08-23. Review status: criteria provided, single submitter. Criteria: Ambry Variant Classification Scheme 2023. Collection method: clinical testing. Allele origin: germline.

Labcorp Genetics (formerly Invitae), Labcorp
Classification: Uncertain significance for Long QT syndrome. Last evaluated: 2025-06-12. Review status: criteria provided, single submitter. Criteria: Invitae Variant Classification Sherloc (09022015). Collection method: clinical testing. Allele origin: germline.
Comment: This sequence change replaces glutamine, which is neutral and polar, with histidine, which is basic and polar, at codon 153 of the SNTA1 protein (p.Gln153His). This variant is not present in population databases (gnomAD no frequency). This variant has not been reported in the literature in individuals affected with SNTA1-related conditions. ClinVar contains an entry for this variant (Variation ID: 811698). Invitae Evidence Modeling of protein sequence and biophysical properties (such as structural, functional, and spatial information, amino acid conservation, physicochemical variation, residue mobility, and thermodynamic stability) indicates that this missense variant is not expected to disrupt SNTA1 protein function with a negative predictive value of 80%. In summary, the available evidence is currently insufficient to determine the role of this variant in disease. Therefore, it has been classified as a Variant of Uncertain Significance.

Fulgent Genetics
Classification: Uncertain significance for Long QT syndrome 12. Last evaluated: 2021-12-22. Review status: criteria provided, single submitter. Criteria: ACMG Guidelines, 2015. Collection method: clinical testing. Allele origin: unknown.

ARUP Laboratories, Molecular Genetics and Genomics, ARUP Laboratories
Classification: Uncertain significance for Long QT syndrome 12. Last evaluated: 2018-07-18. Review status: criteria provided, single submitter. Criteria: ARUP Molecular Germline Variant Investigation Process. Collection method: clinical testing. Allele origin: germline.
Comment: The SNTA1 c.459G>T; p.Gln153His variant, to our knowledge, is not reported in the medical literature or gene specific databases. This variant is also absent from general population databases (1000 Genomes Project, Exome Variant Server, and Genome Aggregation Database), indicating it is not a common polymorphism. The glutamine at codon 153 is highly conserved, but computational analyses (SIFT: tolerated, PolyPhen-2: probably damaging) predict conflicting effects of this variant on protein structure/function. Due to limited information, the clinical significance of the p.Gln153His variant is uncertain at this time.

NM_003098.3(SNTA1):c.459G>T (p.Gln153His)

Genes: SNTA1 (syntrophin alpha 1; minus strand), LOC130065678 (ATAC-STARR-seq lymphoblastoid active region 17731; plus strand). Cytogenetic location: 20q11.21.
Variant type: single nucleotide variant.
Coding change: c.459G>T on transcript NM_003098.3 (MANE Select); coding-DNA position 459, G replaced by T.
Protein change: p.Gln153His; replaces glutamine 153 with histidine.
Molecular consequence: missense variant.
Genome position (GRCh38, 1-based): chr20:33,438,878, C>A on the plus strand (G>T on the coding strand, the complement: SNTA1 is on the minus strand). VCF-style: chr20-33438878-C-A. GRCh37 (hg19) VCF-style: chr20-32026684-C-A.
Other names: c.459G>T (NM_003098.2); short protein forms Q153H.
Identifiers: ClinVar variation 811698 (VCV000811698.14), dbSNP rs1471172997, ClinGen allele CA408633367.